The following is an entry in ClinVar:

NC_000013.11:g.52011769G>C

Genes: ATP7B (ATPase copper transporting beta; minus strand), LOC130009838 (ATAC-STARR-seq lymphoblastoid silent region 5378; plus strand). Cytogenetic location: 13q14.3.
Variant type: single nucleotide variant.
Molecular consequence: 5 prime UTR variant (on NM_001406512.1). On other transcripts: intron variant (9).
Genome position: GRCh38 VCF-style: chr13-52011769-G-C. GRCh37 (hg19) VCF-style: chr13-52585905-G-C.
Other names: c.-167C>G (NM_001406512.1, NM_001406516.1, NM_001406522.1); c.-351C>G (NM_001406532.1); c.-55+251C>G (NM_001406541.1, NM_001406531.1, NM_001406527.1 and 4 more transcripts); c.-184+251C>G (NM_001406543.1); c.-238-194C>G (NM_001406528.1).
Identifiers: ClinVar variation 1986960 (VCV001986960.1), dbSNP rs1247146487, ClinGen allele CA609974505.

ClinVar aggregate classification (germline): Uncertain significance (1 of 4 stars; one submission).

Conditions:
Wilson disease (WND). Also called: Wilson's disease. Identifiers: Orphanet 905, MedGen C0019202, MONDO:0010200, OMIM 277900. Disease mechanism: loss of function.

Allele frequency attached by ClinVar (database versions not stated): gnomAD 0.00001; TOPMed 0.00001.
gnomAD v4.1: 1 of 152,254 alleles (0.00066%); highest among the groups gnomAD compares: African/African-American, 0.0024%; no homozygotes.

Submission:

Labcorp Genetics (formerly Invitae), Labcorp
Classification: Uncertain significance for Wilson disease. Last evaluated: 2022-08-15. Review status: criteria provided, single submitter. Criteria: Invitae Variant Classification Sherloc (09022015). Collection method: clinical testing. Allele origin: germline.
Comment: This variant occurs in a non-coding region of the ATP7B gene. It does not change the encoded amino acid sequence of the ATP7B protein. This variant is present in population databases (no rsID available, gnomAD 0.01%). This variant has not been reported in the literature in individuals affected with ATP7B-related conditions. Experimental studies and prediction algorithms are not available or were not evaluated, and the functional significance of this variant is currently unknown. In summary, the available evidence is currently insufficient to determine the role of this variant in disease. Therefore, it has been classified as a Variant of Uncertain Significance.